The following is an entry in ClinVar:

NM_014915.3(ANKRD26):c.4484A>C (p.Lys1495Thr)

Gene: ANKRD26 (ankyrin repeat domain containing 26; minus strand). Cytogenetic location: 10p12.1.
Variant type: single nucleotide variant.
Coding change: c.4484A>C on transcript NM_014915.3 (MANE Select); coding-DNA position 4484, A replaced by C.
Protein change: p.Lys1495Thr; replaces lysine 1495 with threonine.
Molecular consequence: missense variant.
Genome position (GRCh38, 1-based): chr10:27,017,524, T>G on the plus strand (A>C on the coding strand, the complement: ANKRD26 is on the minus strand). VCF-style: chr10-27017524-T-G. GRCh37 (hg19) VCF-style: chr10-27306453-T-G.
Other names: c.4481A>C, p.Lys1494Thr (NM_001256053.2); short protein forms K1494T, K1495T.
Identifiers: ClinVar variation 3869828 (VCV003869828.1).
Genomic context (GRCh38, chr10:27,017,524, plus strand): 5'-CAGTGAAATGAACAAAGGCACACTACACATAAGCTAACCTGTAAAAATAGATTGACTTCT[T>G]TTAATTTTTCTGCTATTTCCTGTCTTGCTCTTTCTTCAATCTCCTGTTTATACTGTTTGA-3'
Protein context (NP_055730.2, residues 1485-1505): RARQEIAEKL[Lys1495Thr]EVNLFLQAQA

ClinVar aggregate classification (germline): Uncertain significance (1 of 4 stars; one submission).

Conditions:
Inborn genetic diseases. Identifiers: MedGen C0950123, MeSH D030342.

gnomAD v4.1: 4 of 1,613,668 alleles (0.00025%); highest among the groups gnomAD compares: Non-Finnish European, 0.00034%; no homozygotes.

Submission:

Ambry Genetics
Classification: Uncertain significance for Inborn genetic diseases. Last evaluated: 2024-12-29. Review status: criteria provided, single submitter. Criteria: Ambry Variant Classification Scheme 2023. Collection method: clinical testing. Allele origin: germline.
Comment: The p.K1495T variant (also known as c.4484A>C), located in coding exon 30 of the ANKRD26 gene, results from an A to C substitution at nucleotide position 4484. The lysine at codon 1495 is replaced by threonine, an amino acid with similar properties. This amino acid position is conserved. In addition, this alteration is predicted to be tolerated by in silico analysis. Based on the available evidence, the clinical significance of this variant remains unclear.